The following is an entry in ClinVar:

ClinVar aggregate classification (germline): Uncertain significance. Review status: criteria provided, multiple submitters, no conflicts (2 of 4 stars). 2 submissions from 2 submitters: Uncertain significance (2). Last evaluated 2025-08-10.

Submissions (2):

Labcorp Genetics (formerly Invitae), Labcorp
Classification: Uncertain significance. Last evaluated: 2025-08-10. Review status: criteria provided, single submitter. Criteria: Invitae Variant Classification Sherloc (09022015). Collection method: clinical testing. Allele origin: germline.
Comment: This sequence change falls in intron 2 of the MGP gene. It does not directly change the encoded amino acid sequence of the MGP protein. It affects a nucleotide within the consensus splice site. This variant is present in population databases (no rsID available, gnomAD 0.0008%). This variant has not been reported in the literature in individuals affected with MGP-related conditions. Variants that disrupt the consensus splice site are a relatively common cause of aberrant splicing (PMID: 17576681, 9536098). Algorithms developed to predict the effect of sequence changes on RNA splicing suggest that this variant may disrupt the consensus splice site. In summary, the available evidence is currently insufficient to determine the role of this variant in disease. Therefore, it has been classified as a Variant of Uncertain Significance.

Blueprint Genetics
Classification: Uncertain significance. Last evaluated: 2023-09-28. Review status: criteria provided, single submitter. Criteria: ACMG Guidelines, 2015. Collection method: clinical testing. Allele origin: germline.

Literature cited by the submitters: PubMed 17576681 (cited by Labcorp Genetics (formerly Invitae), Labcorp); PubMed 9536098 (cited by Labcorp Genetics (formerly Invitae), Labcorp).

NM_000900.5(MGP):c.94+5G>A

Gene: MGP (matrix Gla protein; minus strand). Cytogenetic location: 12p12.3.
Variant type: single nucleotide variant.
Coding change: c.94+5G>A on transcript NM_000900.5 (MANE Select); 5 bases into the intron after coding-DNA position 94, G replaced by A.
Molecular consequence: intron variant.
Genome position (GRCh38, 1-based): chr12:14,884,208, C>T on the plus strand (G>A on the coding strand, the complement: MGP is on the minus strand). VCF-style: chr12-14884208-C-T. GRCh37 (hg19) VCF-style: chr12-15037142-C-T.
Other names: c.169+5G>A (NM_001190839.3).
Identifiers: ClinVar variation 4705057 (VCV004705057.2).